The following is an entry in ClinVar:

ClinVar aggregate classification (germline): Uncertain significance (1 of 4 stars; one submission).

Conditions:
DPAGT1-congenital disorder of glycosylation. Also called: CDG Ij; DPAGT1-CDG; CONGENITAL DISORDER OF GLYCOSYLATION, TYPE Ij. Identifiers: Orphanet 86309, MedGen C2931004, MONDO:0011964, OMIM 608093.
Congenital myasthenic syndrome 13 (CMS13). Also called: Myasthenic syndrome, congenital, with tubular aggregates 2; Myasthenic syndrome, congenital, 13, with tubular aggregates. Identifiers: Orphanet 353327, Orphanet 590, MedGen C3553645, MONDO:0013883, OMIM 614750.

Allele frequency attached by ClinVar (database versions not stated): ExAC 0.00001; gnomAD 0.00002; TOPMed 0.00002.
gnomAD v4.1: 3 of 1,613,952 alleles (0.00019%); highest among the groups gnomAD compares: African/African-American, 0.004%; no homozygotes.

Submission:

Labcorp Genetics (formerly Invitae), Labcorp
Classification: Uncertain significance for Congenital myasthenic syndrome 13; DPAGT1-congenital disorder of glycosylation. Last evaluated: 2022-05-03. Review status: criteria provided, single submitter. Criteria: Invitae Variant Classification Sherloc (09022015). Collection method: clinical testing. Allele origin: germline.
Comment: This sequence change replaces glutamine, which is neutral and polar, with leucine, which is neutral and non-polar, at codon 86 of the DPAGT1 protein (p.Gln86Leu). This variant is not present in population databases (gnomAD no frequency). This variant has not been reported in the literature in individuals affected with DPAGT1-related conditions. Algorithms developed to predict the effect of missense changes on protein structure and function (SIFT, PolyPhen-2, Align-GVGD) all suggest that this variant is likely to be tolerated. In summary, the available evidence is currently insufficient to determine the role of this variant in disease. Therefore, it has been classified as a Variant of Uncertain Significance.

NM_001382.4(DPAGT1):c.257A>T (p.Gln86Leu)

Genes: DPAGT1 (dolichyl-phosphate N-acetylglucosaminephosphotransferase 1; minus strand), LOC126861360 (BRD4-independent group 4 enhancer GRCh37_chr11:118972216-118973415; plus strand). Cytogenetic location: 11q23.3.
Variant type: single nucleotide variant.
Coding change: c.257A>T on transcript NM_001382.4 (MANE Select); coding-DNA position 257, A replaced by T.
Protein change: p.Gln86Leu; replaces glutamine 86 with leucine.
Molecular consequence: missense variant.
Genome position (GRCh38, 1-based): chr11:119,101,043, T>A on the plus strand (A>T on the coding strand, the complement: DPAGT1 is on the minus strand). VCF-style: chr11-119101043-T-A. GRCh37 (hg19) VCF-style: chr11-118971753-T-A.
Other names: short protein forms Q86L.
Identifiers: ClinVar variation 1428959 (VCV001428959.5), dbSNP rs751806317, ClinGen allele CA6314682.